The following is an entry in ClinVar:

ClinVar aggregate classification (germline): Uncertain significance. Review status: criteria provided, multiple submitters, no conflicts (2 of 4 stars). 2 submissions from 2 submitters: Uncertain significance (2). Last evaluated 2022-04-02.

Allele frequency attached by ClinVar (database versions not stated): gnomAD exomes below 0.00001.
gnomAD v4.1: 5 of 1,614,204 alleles (0.00031%); highest among the groups gnomAD compares: Non-Finnish European, 0.00034%; no homozygotes.

Submissions (2):

Blueprint Genetics
Classification: Uncertain significance. Last evaluated: 2022-04-02. Review status: criteria provided, single submitter. Criteria: ACMG Guidelines, 2015. Collection method: clinical testing. Allele origin: germline.

Labcorp Genetics (formerly Invitae), Labcorp
Classification: Uncertain significance. Last evaluated: 2021-04-28. Review status: criteria provided, single submitter. Criteria: Invitae Variant Classification Sherloc (09022015). Collection method: clinical testing. Allele origin: germline.
Comment: This sequence change replaces tryptophan with cysteine at codon 598 of the ADAMTS18 protein (p.Trp598Cys). The tryptophan residue is highly conserved and there is a large physicochemical difference between tryptophan and cysteine. This variant is not present in population databases (ExAC no frequency). This variant has not been reported in the literature in individuals with ADAMTS18-related conditions. Algorithms developed to predict the effect of missense changes on protein structure and function are either unavailable or do not agree on the potential impact of this missense change (SIFT: "Not Available"; PolyPhen-2: "Possibly Damaging"; Align-GVGD: "Not Available"). In summary, the available evidence is currently insufficient to determine the role of this variant in disease. Therefore, it has been classified as a Variant of Uncertain Significance.

NM_199355.4(ADAMTS18):c.1794G>C (p.Trp598Cys)

Gene: ADAMTS18 (ADAM metallopeptidase with thrombospondin type 1 motif 18; minus strand). Cytogenetic location: 16q23.1.
Variant type: single nucleotide variant.
Coding change: c.1794G>C on transcript NM_199355.4 (MANE Select); coding-DNA position 1794, G replaced by C.
Protein change: p.Trp598Cys; replaces tryptophan 598 with cysteine.
Molecular consequence: missense variant.
Genome position (GRCh38, 1-based): chr16:77,335,821, C>G on the plus strand (G>C on the coding strand, the complement: ADAMTS18 is on the minus strand). VCF-style: chr16-77335821-C-G. GRCh37 (hg19) VCF-style: chr16-77369718-C-G.
Other names: c.1278G>C, p.Trp426Cys (NM_001326358.2); short protein forms W426C, W598C.
Identifiers: ClinVar variation 1349782 (VCV001349782.7), dbSNP rs910746997, ClinGen allele CA284409002.
Genomic context (GRCh38, chr16:77,335,821, plus strand): 5'-GTTATTGCAGTGTCTCTCCTGGAACTTGACTCCTCCACCACATGTCCGGGAACATTCTGA[C>G]CACTTCGACCAGGCGGACCACTGGCCGTGGATGGGCCGGGGCCCGAGCTCCCCAAACTTT-3'
Protein context (NP_955387.1, residues 588-608): IHGQWSAWSK[Trp598Cys]SECSRTCGGG